The following is an entry in ClinVar:

NM_182961.4(SYNE1):c.11355G>A (p.Arg3785=)

Gene: SYNE1 (spectrin repeat containing nuclear envelope protein 1; minus strand). Cytogenetic location: 6q25.2.
Variant type: single nucleotide variant.
Coding change: c.11355G>A on transcript NM_182961.4 (MANE Select); coding-DNA position 11355, G replaced by A.
Protein change: p.Arg3785=; no amino-acid change (arginine 3785 retained).
Molecular consequence: synonymous variant.
Genome position (GRCh38, 1-based): chr6:152,352,252, C>T on the plus strand (G>A on the coding strand, the complement: SYNE1 is on the minus strand). VCF-style: chr6-152352252-C-T. GRCh37 (hg19) VCF-style: chr6-152673387-C-T.
Other names: c.11310G>A, p.Arg3770= (NM_033071.5).
Identifiers: ClinVar variation 283698 (VCV000283698.23), dbSNP rs151081036, ClinGen allele CA4056707.

ClinVar aggregate classification (germline): Conflicting classifications of pathogenicity. Review status: criteria provided, conflicting classifications (1 of 4 stars). 7 submissions from 6 submitters: Uncertain significance (2); Benign (2); Likely benign (3). Last evaluated 2026-01-19.

Conditions:
Autosomal recessive ataxia, Beauce type. Also called: SYNE1-Related Autosomal Recessive Cerebellar Ataxia; Spinocerebellar ataxia, autosomal recessive 8; SYNE1 Deficiency; ATAXIA, RECESSIVE, OF BEAUCE. Identifiers: Orphanet 88644, MedGen C1853116, MONDO:0012549, OMIM 610743.
Emery-Dreifuss muscular dystrophy 4, autosomal dominant (EDMD4). Also called: EMERY-DREIFUSS MUSCULAR DYSTROPHY 4 WITH VARIABLE FEATURES. Identifiers: Orphanet 261, MedGen C2751807, MONDO:0013071, OMIM 612998.

Allele frequency attached by ClinVar (database versions not stated): 1000 Genomes Project 30x 0.00016; 1000 Genomes Project 0.00020; gnomAD 0.00022 and 0.00024; ESP Exome Variant Server 0.00023; gnomAD exomes 0.00023; ExAC 0.00024; TOPMed 0.00027.
gnomAD v4.1: 248 of 1,614,156 alleles (0.015%); highest among the groups gnomAD compares: Middle Eastern, 0.4%; 1 homozygote.

Submissions (7):

Labcorp Genetics (formerly Invitae), Labcorp
Classification: Likely benign for Emery-Dreifuss muscular dystrophy 4, autosomal dominant; Autosomal recessive ataxia, Beauce type. Last evaluated: 2026-01-19. Review status: criteria provided, single submitter. Criteria: Invitae Variant Classification Sherloc (09022015). Collection method: clinical testing. Allele origin: germline.

Blueprint Genetics
Classification: Likely benign. Last evaluated: 2024-11-25. Review status: criteria provided, single submitter. Criteria: ACMG Guidelines, 2015. Collection method: clinical testing. Allele origin: germline.

Athena Diagnostics
Classification: Benign. Last evaluated: 2019-03-22. Review status: criteria provided, single submitter. Criteria: Athena Diagnostics Criteria. Collection method: clinical testing. Allele origin: germline.

GeneDx
Classification: Likely benign. Last evaluated: 2019-01-09. Review status: criteria provided, single submitter. Criteria: GeneDx Variant Classification Process June 2021. Collection method: clinical testing. Allele origin: germline. Affected: yes.

Eurofins Ntd Llc (ga)
Classification: Uncertain significance. Last evaluated: 2018-06-08. Review status: criteria provided, single submitter. Criteria: EGL ClinVar v180209 classification definitions. Collection method: clinical testing. Allele origin: germline. Observed: 5 variant alleles, 5 heterozygotes.

Illumina Laboratory Services, Illumina
Classification: Benign for Emery-Dreifuss muscular dystrophy 4, autosomal dominant. Last evaluated: 2018-01-13. Review status: criteria provided, single submitter. Criteria: ICSL Variant Classification Criteria 13 December 2019. Collection method: clinical testing. Allele origin: germline.
Comment: This variant was observed in the ICSL laboratory as part of a predisposition screen in an ostensibly healthy population. It had not been previously curated by ICSL or reported in the Human Gene Mutation Database (HGMD: prior to June 1st, 2018), and was therefore a candidate for classification through an automated scoring system. Utilizing variant allele frequency, disease prevalence and penetrance estimates, and inheritance mode, an automated score was calculated to assess if this variant is too frequent to cause the disease. Based on the score and internal cut-off values, a variant classified as benign is not then subjected to further curation. The score for this variant resulted in a classification of benign for this disease.

Illumina Laboratory Services, Illumina
Classification: Uncertain significance for Autosomal recessive ataxia, Beauce type. Last evaluated: 2018-01-13. Review status: criteria provided, single submitter. Criteria: ICSL Variant Classification Criteria 13 December 2019. Collection method: clinical testing. Allele origin: germline.